The following is an entry in ClinVar:

NM_006361.6(HOXB13):c.512C>A (p.Ser171Tyr)

Gene: HOXB13 (homeobox B13; minus strand). Cytogenetic location: 17q21.32.
Variant type: single nucleotide variant.
Coding change: c.512C>A on transcript NM_006361.6 (MANE Select); coding-DNA position 512, C replaced by A.
Protein change: p.Ser171Tyr; replaces serine 171 with tyrosine.
Molecular consequence: missense variant.
Genome position (GRCh38, 1-based): chr17:48,728,082, G>T on the plus strand (C>A on the coding strand, the complement: HOXB13 is on the minus strand). VCF-style: chr17-48728082-G-T. GRCh37 (hg19) VCF-style: chr17-46805444-G-T.
Other names: short protein forms S171Y.
Identifiers: ClinVar variation 2876078 (VCV002876078.3), dbSNP rs2509514754, ClinGen allele CA400107296.

ClinVar aggregate classification (germline): Uncertain significance (1 of 4 stars; one submission).

Submission:

Labcorp Genetics (formerly Invitae), Labcorp
Classification: Uncertain significance. Last evaluated: 2024-11-18. Review status: criteria provided, single submitter. Criteria: Invitae Variant Classification Sherloc (09022015). Collection method: clinical testing. Allele origin: germline.
Comment: This sequence change replaces serine, which is neutral and polar, with tyrosine, which is neutral and polar, at codon 171 of the HOXB13 protein (p.Ser171Tyr). This variant is not present in population databases (gnomAD no frequency). This variant has not been reported in the literature in individuals affected with HOXB13-related conditions. ClinVar contains an entry for this variant (Variation ID: 2876078). Invitae Evidence Modeling of protein sequence and biophysical properties (such as structural, functional, and spatial information, amino acid conservation, physicochemical variation, residue mobility, and thermodynamic stability) indicates that this missense variant is not expected to disrupt HOXB13 protein function with a negative predictive value of 80%. In summary, the available evidence is currently insufficient to determine the role of this variant in disease. Therefore, it has been classified as a Variant of Uncertain Significance.